The following is an entry in ClinVar:

ClinVar aggregate classification (germline): Pathogenic (1 of 4 stars; one submission).

Allele frequency attached by ClinVar (database versions not stated): gnomAD exomes below 0.00001.
gnomAD v4.1: 1 of 1,614,052 alleles (0.000062%); highest among the groups gnomAD compares: Non-Finnish European, 0.000085%; no homozygotes.

Submission:

Labcorp Genetics (formerly Invitae), Labcorp
Classification: Pathogenic. Last evaluated: 2025-07-13. Review status: criteria provided, single submitter. Criteria: Invitae Variant Classification Sherloc (09022015). Collection method: clinical testing. Allele origin: germline.
Comment: This sequence change creates a premature translational stop signal (p.Gln423*) in the TNFRSF11A gene. It is expected to result in an absent or disrupted protein product. Loss-of-function variants in TNFRSF11A are known to be pathogenic (PMID: 10677500, 18606301, 22271396). This variant is not present in population databases (gnomAD no frequency). This variant has not been reported in the literature in individuals affected with TNFRSF11A-related conditions. ClinVar contains an entry for this variant (Variation ID: 2009862). For these reasons, this variant has been classified as Pathogenic.

Literature cited by the submitters: PubMed 10677500; PubMed 18606301; PubMed 22271396.

NM_003839.4(TNFRSF11A):c.1267C>T (p.Gln423Ter)

Gene: TNFRSF11A (TNF receptor superfamily member 11a; plus strand). Cytogenetic location: 18q21.33.
Variant type: single nucleotide variant.
Coding change: c.1267C>T on transcript NM_003839.4 (MANE Select); coding-DNA position 1267, C replaced by T.
Protein change: p.Gln423Ter; replaces glutamine 423 with a stop codon.
Molecular consequence: nonsense. On other transcripts: intron variant (3).
Genome position (GRCh38, 1-based): chr18:62,369,184, C>T. VCF-style: chr18-62369184-C-T. GRCh37 (hg19) VCF-style: chr18-60036417-C-T.
Other names: c.1225C>T, p.Gln409Ter (NM_001278268.2); c.783+2424C>T (NM_001270949.2); c.730+7391C>T (NM_001270950.2); c.616+9135C>T (NM_001270951.2); short protein forms Q423*, Q409*.
Identifiers: ClinVar variation 2009862 (VCV002009862.4), dbSNP rs2511593094, ClinGen allele CA402617614.